The following is an entry in ClinVar:

ClinVar aggregate classification (germline): Pathogenic/Likely pathogenic. Review status: criteria provided, multiple submitters, no conflicts (2 of 4 stars). 7 submissions from 7 submitters: Pathogenic (6); Likely pathogenic (1). Last evaluated 2025-03-31.

Conditions:
Breast-ovarian cancer, familial, susceptibility to, 3. Also called: RAD51C-Related Breast/Ovarian Cancer. Identifiers: Orphanet 145, MedGen C3150659, MONDO:0013253, OMIM 613399.
Fanconi anemia complementation group O. Also called: RAD51C-Related Fanconi Anemia. Identifiers: Orphanet 84, MedGen C3150653, MONDO:0013248, OMIM 613390.
Hereditary cancer-predisposing syndrome. Also called: Neoplastic Syndromes, Hereditary; Tumor predisposition; Hereditary neoplastic syndrome; Hereditary Cancer Syndrome. Identifiers: Orphanet 140162, MedGen C0027672, MeSH D009386, MONDO:0015356.

Allele frequency attached by ClinVar (database versions not stated): gnomAD exomes below 0.00001.
gnomAD v4.1: 1 of 1,614,088 alleles (0.000062%); highest among the groups gnomAD compares: Non-Finnish European, 0.000085%; no homozygotes.

Submissions (7):

Labcorp Genetics (formerly Invitae), Labcorp
Classification: Pathogenic for Fanconi anemia complementation group O. Last evaluated: 2025-03-31. Review status: criteria provided, single submitter. Criteria: Invitae Variant Classification Sherloc (09022015). Collection method: clinical testing. Allele origin: germline.
Comment: This sequence change creates a premature translational stop signal (p.Gln137*) in the RAD51C gene. It is expected to result in an absent or disrupted protein product. Loss-of-function variants in RAD51C are known to be pathogenic (PMID: 20400964, 21990120, 24800917, 29278735). This variant is not present in population databases (gnomAD no frequency). This premature translational stop signal has been observed in individual(s) with breast and/or ovarian cancer (PMID: 26911350, 29470806). ClinVar contains an entry for this variant (Variation ID: 925917). Algorithms developed to predict the effect of sequence changes on RNA splicing suggest that this variant may disrupt the consensus splice site. For these reasons, this variant has been classified as Pathogenic.

CeGaT Center for Human Genetics Tuebingen
Classification: Pathogenic. Last evaluated: 2025-03-01. Review status: criteria provided, single submitter. Criteria: CeGaT Center For Human Genetics Tuebingen Variant Classification Criteria Version 2. Collection method: clinical testing. Allele origin: germline. Affected: yes. Observed: 1 variant allele.
Comment: RAD51C: PVS1, PM2, PS4:Supporting

Department of Pathology and Laboratory Medicine, Sinai Health System
Classification: Likely pathogenic for Fanconi anemia complementation group O; Breast-ovarian cancer, familial, susceptibility to, 3. Last evaluated: 2024-12-30. Review status: criteria provided, single submitter. Criteria: ACMG Guidelines, 2015. Collection method: clinical testing. Allele origin: germline.

Myriad Genetics, Inc.
Classification: Pathogenic for Breast-ovarian cancer, familial, susceptibility to, 3. Last evaluated: 2024-01-02. Review status: criteria provided, single submitter. Criteria: Myriad Autosomal Dominant, Autosomal Recessive and X-Linked Classification Criteria (2023). Collection method: clinical testing. Allele origin: unknown.
Comment: This variant is considered pathogenic. This variant creates a termination codon and is predicted to result in premature protein truncation.

Baylor Genetics
Classification: Pathogenic for Breast-ovarian cancer, familial, susceptibility to, 3. Last evaluated: 2023-12-15. Review status: criteria provided, single submitter. Criteria: ACMG Guidelines, 2015. Collection method: clinical testing. Allele origin: unknown.

Ambry Genetics
Classification: Pathogenic for Hereditary cancer-predisposing syndrome. Last evaluated: 2023-10-18. Review status: criteria provided, single submitter. Criteria: Ambry Variant Classification Scheme 2023. Collection method: clinical testing. Allele origin: germline.
Comment: The p.Q137* pathogenic mutation (also known as c.409C>T), located in coding exon 3 of the RAD51C gene, results from a C to T substitution at nucleotide position 409. This changes the amino acid from a glutamine to a stop codon within coding exon 3. This alteration has been reported in a breast and/or ovarian cancer patient (Mannan AU et al. J Hum Genet, 2016 Jun;61:515-22). This variant is considered to be rare based on population cohorts in the Genome Aggregation Database (gnomAD). This alteration is expected to result in loss of function by premature protein truncation or nonsense-mediated mRNA decay. As such, this alteration is interpreted as a disease-causing mutation.

Color Diagnostics, LLC DBA Color Health
Classification: Pathogenic for Hereditary cancer-predisposing syndrome. Last evaluated: 2020-01-15. Review status: criteria provided, single submitter. Criteria: ACMG Guidelines, 2015. Collection method: clinical testing. Allele origin: germline.
Comment: This variant changes 1 nucleotide in exon 3 of the RAD51C gene, creating a premature translation stop signal. This variant is expected to result in an absent or non-functional protein product. This variant has not been identified in the general population by the Genome Aggregation Database (gnomAD). Loss of RAD51C function is a known mechanism of disease. Based on the available evidence, this variant is classified as Pathogenic.

Literature cited by the submitters: PubMed 20400964 (cited by Labcorp Genetics (formerly Invitae), Labcorp); PubMed 21990120 (cited by Labcorp Genetics (formerly Invitae), Labcorp); PubMed 24800917 (cited by Labcorp Genetics (formerly Invitae), Labcorp); PubMed 29278735 (cited by Labcorp Genetics (formerly Invitae), Labcorp); PubMed 26911350 (cited by 3 submitters); PubMed 29470806 (cited by Labcorp Genetics (formerly Invitae), Labcorp).

NM_058216.3(RAD51C):c.409C>T (p.Gln137Ter)

Gene: RAD51C (RAD51 paralog C; plus strand). Cytogenetic location: 17q22.
Variant type: single nucleotide variant.
Coding change: c.409C>T on transcript NM_058216.3 (MANE Select); coding-DNA position 409, C replaced by T.
Protein change: p.Gln137Ter; replaces glutamine 137 with a stop codon.
Molecular consequence: nonsense.
Genome position (GRCh38, 1-based): chr17:58,696,697, C>T. VCF-style: chr17-58696697-C-T. GRCh37 (hg19) VCF-style: chr17-56774058-C-T.
Other names: c.409C>T (NM_058216.1); short protein forms Q137*.
Identifiers: ClinVar variation 925917 (VCV000925917.19), dbSNP rs2048021234, ClinGen allele CA400343714.